The following is an entry in ClinVar:

ClinVar aggregate classification (germline): Likely benign (0 of 4 stars; one submission).

Conditions:
SLC9A6-related disorder. Also called: SLC9A6-related condition.

Allele frequency attached by ClinVar (database versions not stated): gnomAD exomes 0.00001; TOPMed 0.00001; ExAC 0.00002; gnomAD 0.00002; ESP Exome Variant Server 0.00009.
gnomAD v4.1: 13 of 1,132,196 alleles (0.0011%); highest among the groups gnomAD compares: Middle Eastern, 0.048%; no homozygotes.

Submission:

PreventionGenetics, part of Exact Sciences
Classification: Likely benign for SLC9A6-related condition. Last evaluated: 2022-03-03. Review status: no assertion criteria provided. Collection method: clinical testing. Allele origin: germline.
Comment: This variant is classified as likely benign based on ACMG/AMP sequence variant interpretation guidelines (Richards et al. 2015 PMID: 25741868, with internal and published modifications).

NM_001379110.1(SLC9A6):c.403T>C (p.Leu135=)

Gene: SLC9A6 (solute carrier family 9 member A6; plus strand). Cytogenetic location: Xq26.3.
Variant type: single nucleotide variant.
Coding change: c.403T>C on transcript NM_001379110.1 (MANE Select); coding-DNA position 403, T replaced by C.
Protein change: p.Leu135=; no amino-acid change (leucine 135 retained).
Molecular consequence: synonymous variant.
Genome position (GRCh38, 1-based): chrX:135,998,141, T>C. VCF-style: chrX-135998141-T-C. GRCh37 (hg19) VCF-style: chrX-135080300-T-C.
Other names: c.559T>C, p.Leu187= (NM_001042537.2); c.403T>C, p.Leu135= (NM_001177651.2, NM_001400909.1, NM_001400910.1 and 2 more transcripts); c.307T>C, p.Leu103= (NM_001330652.2, NM_001400913.1); c.463T>C, p.Leu155= (NM_006359.3).
Identifiers: ClinVar variation 3031257 (VCV003031257.2), dbSNP rs375741763, ClinGen allele CA10524655.
Genomic context (GRCh38, chrX:135,998,141, plus strand): 5'-ATCTAAAATAACTCTTTATTTTAACAGGTTACTTTTGATCCAGAAGTATTTTTCAACATA[T>C]TACTTCCTCCTATCATATTTTATGCAGGTTATAGCCTGAAAAGGGTAAGTCCTTTTGTCT-3'
Protein context (NP_001366039.1, residues 125-145): TFDPEVFFNI[Leu135=]LPPIIFYAGY